The following is an entry in ClinVar:

NM_006545.5(NPRL2):c.684-12TC[3]

Gene: NPRL2 (NPR2 like, GATOR1 complex subunit; minus strand). Cytogenetic location: 3p21.31.
Variant type: Microsatellite.
Coding change: c.684-12TC[3] on transcript NM_006545.5 (MANE Select); three copies in a row of the 2-base unit TC starting at c.684-12; the reference has five copies in a row; two copies, 4 bases deleted.
Molecular consequence: intron variant.
Genome position (GRCh38, 1-based): chr3:50,348,566-50,348,569, GAGA deleted on the plus strand (TCTC on the coding strand, the reverse complement: NPRL2 is on the minus strand); deleting any 4 consecutive bases within chr3:50,348,566-50,348,576 gives the same sequence; the position shown is the placement nearest the transcript's 3' end. VCF-style (leftmost placement, unchanged base first): chr3-50348565-TGAGA-T. GRCh37 (hg19) VCF-style: chr3-50385996-TGAGA-T.
Other names: c.684-6_684-3del (NM_006545.5).
Identifiers: ClinVar variation 2434425 (VCV002434425.4), dbSNP rs749481228, ClinGen allele CA2580616465.

ClinVar aggregate classification (germline): Uncertain significance. Review status: criteria provided, multiple submitters, no conflicts (2 of 4 stars). 2 submissions from 2 submitters: Uncertain significance (2). Last evaluated 2024-03-14.

Conditions:
Epilepsy, familial focal, with variable foci 2 (FFEVF2). Identifiers: MedGen C4310709, MONDO:0014924, OMIM 617116.

Submissions (2):

GeneDx
Classification: Uncertain significance. Last evaluated: 2024-03-14. Review status: criteria provided, single submitter. Criteria: GeneDx Variant Classification Process June 2021. Collection method: clinical testing. Allele origin: germline. Affected: yes.
Comment: Not observed at significant frequency in large population cohorts (gnomAD); In silico analysis supports a deleterious effect on splicing; Has not been previously published as pathogenic or benign to our knowledge

Revvity Omics, Revvity
Classification: Uncertain significance for Epilepsy, familial focal, with variable foci 2. Last evaluated: 2021-05-25. Review status: criteria provided, single submitter. Criteria: ACMG Guidelines, 2015. Collection method: clinical testing. Allele origin: germline.